The following is an entry in ClinVar:

ClinVar aggregate classification (germline): Uncertain significance (1 of 4 stars; one submission).

Conditions:
Gastrointestinal stromal tumor. Also called: Gastrointestinal stroma tumor; Gastrointestinal stromal tumor, somatic. Identifiers: Orphanet 44890, MedGen C0238198, MeSH D046152, MONDO:0011719, OMIM 606764, HP:0100723.

gnomAD v4.1: 1 of 1,614,010 alleles (0.000062%); no homozygotes.

Submission:

Labcorp Genetics (formerly Invitae), Labcorp
Classification: Uncertain significance for Gastrointestinal stromal tumor. Last evaluated: 2021-07-06. Review status: criteria provided, single submitter. Criteria: Invitae Variant Classification Sherloc (09022015). Collection method: clinical testing. Allele origin: germline.
Comment: This sequence change replaces alanine with serine at codon 940 of the KIT protein (p.Ala940Ser). The alanine residue is moderately conserved and there is a moderate physicochemical difference between alanine and serine. This variant is not present in population databases (ExAC no frequency). This variant has not been reported in the literature in individuals affected with KIT-related conditions. Algorithms developed to predict the effect of missense changes on protein structure and function output the following: SIFT: "Tolerated"; PolyPhen-2: "Benign"; Align-GVGD: "Class C0". The serine amino acid residue is found in multiple mammalian species, which suggests that this missense change does not adversely affect protein function. In summary, the available evidence is currently insufficient to determine the role of this variant in disease. Therefore, it has been classified as a Variant of Uncertain Significance.

NM_000222.3(KIT):c.2818G>T (p.Ala940Ser)

Gene: KIT (KIT proto-oncogene, receptor tyrosine kinase; plus strand). Cytogenetic location: 4q12.
Variant type: single nucleotide variant.
Coding change: c.2818G>T on transcript NM_000222.3 (MANE Select); coding-DNA position 2818, G replaced by T.
Protein change: p.Ala940Ser; replaces alanine 940 with serine.
Molecular consequence: missense variant.
Genome position (GRCh38, 1-based): chr4:54,738,444, G>T. VCF-style: chr4-54738444-G-T. GRCh37 (hg19) VCF-style: chr4-55604610-G-T.
Other names: c.2806G>T, p.Ala936Ser (NM_001093772.2, NM_001385292.1); c.2821G>T, p.Ala941Ser (NM_001385284.1); c.2815G>T, p.Ala939Ser (NM_001385285.1); c.2803G>T, p.Ala935Ser (NM_001385286.1); c.2809G>T, p.Ala937Ser (NM_001385288.1); c.2818G>T, p.Ala940Ser (NM_001385290.1); short protein forms A936S, A939S, A941S, A935S, A937S, A940S.
Identifiers: ClinVar variation 1366201 (VCV001366201.8), dbSNP rs1723051919, ClinGen allele CA356915773.